The following is an entry in ClinVar:

ClinVar aggregate classification (germline): Pathogenic (1 of 4 stars; one submission).

Conditions:
Wilson disease (WND). Also called: Wilson's disease. Identifiers: Orphanet 905, MedGen C0019202, MONDO:0010200, OMIM 277900. Disease mechanism: loss of function.

Submission:

Myriad Genetics, Inc.
Classification: Pathogenic for Wilson disease. Last evaluated: 2025-04-23. Review status: criteria provided, single submitter. Criteria: Myriad Autosomal Dominant, Autosomal Recessive and X-Linked Classification Criteria (2023). Collection method: clinical testing. Allele origin: unknown.
Comment: NM_000053.3(ATP7B):c.3459G>A(W1153*) is expected to be pathogenic in the context of Wilson disease. This variant is predicted to lead to an abnormal or absent protein product due to the creation of a premature termination codon in ATP7B, a gene where loss-of-function variants are known to be pathogenic. Please note: this variant was assessed in the context of healthy population screening.

NM_000053.4(ATP7B):c.3459G>A (p.Trp1153Ter)

Gene: ATP7B (ATPase copper transporting beta; minus strand). Cytogenetic location: 13q14.3.
Variant type: single nucleotide variant.
Coding change: c.3459G>A on transcript NM_000053.4 (MANE Select); coding-DNA position 3459, G replaced by A.
Protein change: p.Trp1153Ter; replaces tryptophan 1153 with a stop codon.
Molecular consequence: nonsense. On other transcripts: intron variant (2).
Genome position (GRCh38, 1-based): chr13:51,941,178, C>T on the plus strand (G>A on the coding strand, the complement: ATP7B is on the minus strand). VCF-style: chr13-51941178-C-T. GRCh37 (hg19) VCF-style: chr13-52515314-C-T.
Other names: c.2838G>A, p.Trp946Ter (NM_001005918.3); c.3126G>A, p.Trp1042Ter (NM_001243182.2); c.3225G>A, p.Trp1075Ter (NM_001330578.2, NM_001406527.1, NM_001406528.1); c.3207G>A, p.Trp1069Ter (NM_001330579.2, NM_001406531.1, NM_001406532.1); c.3459G>A, p.Trp1153Ter (NM_001406511.1, NM_001406512.1, NM_001406526.1); c.3453G>A, p.Trp1151Ter (NM_001406513.1); c.3426G>A, p.Trp1142Ter (NM_001406514.1); c.3405G>A, p.Trp1135Ter (NM_001406515.1, NM_001406516.1); and 20 more; short protein forms W1004*, W1010*, W1040*, W1042*, W1043*, W1057*, W1069*, W1073*.
Identifiers: ClinVar variation 5010643 (VCV005010643.1).